The following is an entry in ClinVar:

NM_001378477.3(NYX):c.731C>T (p.Ala244Val)

Gene: NYX (nyctalopin; plus strand). Cytogenetic location: Xp11.4.
Variant type: single nucleotide variant.
Coding change: c.731C>T on transcript NM_001378477.3 (MANE Select); coding-DNA position 731, C replaced by T.
Protein change: p.Ala244Val; replaces alanine 244 with valine.
Molecular consequence: missense variant.
Genome position (GRCh38, 1-based): chrX:41,474,199, C>T. VCF-style: chrX-41474199-C-T. GRCh37 (hg19) VCF-style: chrX-41333452-C-T.
Other names: c.731C>T, p.Ala244Val (NM_022567.3); short protein forms A244V.
Identifiers: ClinVar variation 5025938 (VCV005025938.1).

ClinVar aggregate classification (germline): Uncertain significance (1 of 4 stars; one submission).

Conditions:
Inborn genetic diseases. Identifiers: MedGen C0950123, MeSH D030342.

Submission:

Ambry Genetics
Classification: Uncertain significance for Inborn genetic diseases. Last evaluated: 2026-09-11. Review status: criteria provided, single submitter. Criteria: Ambry Variant Classification Scheme 2023. Collection method: clinical testing. Allele origin: germline.
Comment: The c.746C>T (p.A249V) alteration is located in exon 2 (coding exon 2) of the NYX gene. This alteration results from a C to T substitution at nucleotide position 746, causing the alanine (A) at amino acid position 249 to be replaced by a valine (V). Based on data from gnomAD, the T allele has an overall frequency of 0.001% (1/119018) total alleles studied. The highest observed frequency was 0.002% (1/48193) of European (non-Finnish) alleles. Based on insufficient or conflicting evidence, the clinical significance of this alteration remains unclear.